The following is an entry in ClinVar:

NM_000379.4(XDH):c.2895G>T (p.Leu965Phe)

Gene: XDH (xanthine dehydrogenase; minus strand). Cytogenetic location: 2p23.1.
Variant type: single nucleotide variant.
Coding change: c.2895G>T on transcript NM_000379.4 (MANE Select); coding-DNA position 2895, G replaced by T.
Protein change: p.Leu965Phe; replaces leucine 965 with phenylalanine.
Molecular consequence: missense variant.
Genome position (GRCh38, 1-based): chr2:31,349,760, C>A on the plus strand (G>T on the coding strand, the complement: XDH is on the minus strand). VCF-style: chr2-31349760-C-A. GRCh37 (hg19) VCF-style: chr2-31572626-C-A.
Other names: short protein forms L965F.
Identifiers: ClinVar variation 1929112 (VCV001929112.5), dbSNP rs1345285953, ClinGen allele CA346500181.

ClinVar aggregate classification (germline): Uncertain significance (1 of 4 stars; one submission).

Conditions:
Xanthinuria type II. Also called: Xanthine dehydrogenase and aldehyde oxidase combined deficiency of; XDH and AOX dual deficiency. Identifiers: Orphanet 3467, Orphanet 93602, MedGen C1863688, MONDO:0011346, OMIM 603592.

Submission:

Labcorp Genetics (formerly Invitae), Labcorp
Classification: Uncertain significance for Xanthinuria type II. Last evaluated: 2024-02-24. Review status: criteria provided, single submitter. Criteria: Invitae Variant Classification Sherloc (09022015). Collection method: clinical testing. Allele origin: germline.
Comment: This sequence change replaces leucine, which is neutral and non-polar, with phenylalanine, which is neutral and non-polar, at codon 965 of the XDH protein (p.Leu965Phe). This variant is not present in population databases (gnomAD no frequency). This variant has not been reported in the literature in individuals affected with XDH-related conditions. ClinVar contains an entry for this variant (Variation ID: 1929112). An algorithm developed to predict the effect of missense changes on protein structure and function (PolyPhen-2) suggests that this variant is likely to be disruptive. In summary, the available evidence is currently insufficient to determine the role of this variant in disease. Therefore, it has been classified as a Variant of Uncertain Significance.